The following is an entry in ClinVar:

ClinVar aggregate classification (germline): Uncertain significance. Review status: criteria provided, multiple submitters, no conflicts (2 of 4 stars). 2 submissions from 2 submitters: Uncertain significance (2). Last evaluated 2024-05-01.

Allele frequency attached by ClinVar (database versions not stated): ExAC 0.00002; gnomAD exomes 0.00002.

Submissions (2):

CeGaT Center for Human Genetics Tuebingen
Classification: Uncertain significance. Last evaluated: 2024-05-01. Review status: criteria provided, single submitter. Criteria: CeGaT Center For Human Genetics Tuebingen Variant Classification Criteria Version 2. Collection method: clinical testing. Allele origin: germline. Affected: yes. Observed: 2 variant alleles.

Women's Health and Genetics/Laboratory Corporation of America, LabCorp
Classification: Uncertain significance. Last evaluated: 2024-03-01. Review status: criteria provided, single submitter. Criteria: LabCorp Variant Classification Summary - May 2015. Collection method: clinical testing. Allele origin: germline.
Comment: Variant summary: COL4A2 c.4441A>G (p.Met1481Val) results in a conservative amino acid change in the encoded protein sequence. Three of five in-silico tools predict a benign effect of the variant on protein function. The variant allele was found at a frequency of 8.2e-06 in 243976 control chromosomes. The available data on variant occurrences in the general population are insufficient to allow any conclusion about variant significance. To our knowledge, no occurrence of c.4441A>G in individuals affected with Porencephaly 2 and no experimental evidence demonstrating its impact on protein function have been reported. No submitters have cited clinical-significance assessments for this variant to ClinVar. Based on the evidence outlined above, the variant was classified as uncertain significance.

NM_001846.4(COL4A2):c.4441A>G (p.Met1481Val)

Genes: COL4A2 (collagen type IV alpha 2 chain; plus strand), COL4A2-AS1 (COL4A2 antisense RNA 1; minus strand). Cytogenetic location: 13q34.
Variant type: single nucleotide variant.
Coding change: c.4441A>G on transcript NM_001846.4 (MANE Select); coding-DNA position 4441, A replaced by G.
Protein change: p.Met1481Val; replaces methionine 1481 with valine.
Molecular consequence: missense variant.
Genome position (GRCh38, 1-based): chr13:110,506,453, A>G. VCF-style: chr13-110506453-A-G. GRCh37 (hg19) VCF-style: chr13-111158800-A-G.
Other names: short protein forms M1481V.
Identifiers: ClinVar variation 3233714 (VCV003233714.21), dbSNP rs763183089, ClinGen allele CA7050542.